The following is an entry in ClinVar:

NM_194250.2(ZNF804A):c.1474A>G (p.Ile492Val)

Gene: ZNF804A (zinc finger protein 804A; plus strand). Cytogenetic location: 2q32.1.
Variant type: single nucleotide variant.
Coding change: c.1474A>G on transcript NM_194250.2 (MANE Select); coding-DNA position 1474, A replaced by G.
Protein change: p.Ile492Val; replaces isoleucine 492 with valine.
Molecular consequence: missense variant.
Genome position (GRCh38, 1-based): chr2:184,936,870, A>G. VCF-style: chr2-184936870-A-G. GRCh37 (hg19) VCF-style: chr2-185801597-A-G.
Other names: short protein forms I492V.
Identifiers: ClinVar variation 3055535 (VCV003055535.2), dbSNP rs61739290, ClinGen allele CA2015969.

ClinVar aggregate classification (germline): Benign (0 of 4 stars; one submission).

Conditions:
ZNF804A-related disorder. Also called: ZNF804A-related condition.

Allele frequency attached by ClinVar (database versions not stated): 1000 Genomes Project 30x 0.03467; 1000 Genomes Project 0.03534; gnomAD 0.05354; TOPMed 0.05366; ExAC 0.05463; ESP Exome Variant Server 0.06021; gnomAD exomes 0.06745.
gnomAD v4.1: 106,488 of 1,613,082 alleles (6.6%); highest among the groups gnomAD compares: Middle Eastern, 8.2%; 3,839 homozygotes.

Submission:

PreventionGenetics, part of Exact Sciences
Classification: Benign for ZNF804A-related condition. Last evaluated: 2019-12-09. Review status: no assertion criteria provided. Collection method: clinical testing. Allele origin: germline.
Comment: This variant is classified as benign based on ACMG/AMP sequence variant interpretation guidelines (Richards et al. 2015 PMID: 25741868, with internal and published modifications).